The following is an entry in ClinVar:

ClinVar aggregate classification (germline): Likely benign (1 of 4 stars; one submission).

gnomAD v4.1: 12 of 1,153,154 alleles (0.001%); highest among the groups gnomAD compares: South Asian, 0.0038%; no homozygotes.

Submission:

CeGaT Center for Human Genetics Tuebingen
Classification: Likely benign. Last evaluated: 2026-08-01. Review status: criteria provided, single submitter. Criteria: CeGaT Center For Human Genetics Tuebingen Variant Classification Criteria Version 2. Collection method: clinical testing. Allele origin: germline. Affected: yes. Observed: 1 variant allele.
Comment: ARMCX4: BP4, BS2

NM_001256155.3(ARMCX4):c.5990C>T (p.Ser1997Leu)

Gene: ARMCX4 (armadillo repeat containing X-linked 4; plus strand). Cytogenetic location: Xq22.1.
Variant type: single nucleotide variant.
Coding change: c.5990C>T on transcript NM_001256155.3 (MANE Select); coding-DNA position 5990, C replaced by T.
Protein change: p.Ser1997Leu; replaces serine 1997 with leucine.
Molecular consequence: missense variant.
Genome position (GRCh38, 1-based): chrX:101,494,579, C>T. VCF-style: chrX-101494579-C-T. GRCh37 (hg19) VCF-style: chrX-100749566-C-T.
Other names: short protein forms S1997L.
Identifiers: ClinVar variation 5039698 (VCV005039698.1).